The following is an entry in ClinVar:

NM_001690.4(ATP6V1A):c.1798G>A (p.Asp600Asn)

Gene: ATP6V1A (ATPase H+ transporting V1 subunit A; plus strand). Cytogenetic location: 3q13.31.
Variant type: single nucleotide variant.
Coding change: c.1798G>A on transcript NM_001690.4 (MANE Select); coding-DNA position 1798, G replaced by A.
Protein change: p.Asp600Asn; replaces aspartic acid 600 with asparagine.
Molecular consequence: missense variant.
Genome position (GRCh38, 1-based): chr3:113,809,371, G>A. VCF-style: chr3-113809371-G-A. GRCh37 (hg19) VCF-style: chr3-113528218-G-A.
Other names: c.1798G>A (NM_001690.3); short protein forms D600N.
Identifiers: ClinVar variation 1986311 (VCV001986311.7), dbSNP rs758392307, ClinGen allele CA2548170.

ClinVar aggregate classification (germline): Conflicting classifications of pathogenicity. Review status: criteria provided, conflicting classifications (1 of 4 stars). 3 submissions from 3 submitters: Likely pathogenic (1); Uncertain significance (2). Last evaluated 2025-09-10.

Conditions:
Autosomal recessive cutis laxa type 2D. Also called: CUTIS LAXA, AUTOSOMAL RECESSIVE, TYPE IID. Identifiers: MedGen C4479409, MONDO:0027451, OMIM 617403.
Developmental and epileptic encephalopathy 93. Also called: EPILEPTIC ENCEPHALOPATHY, INFANTILE OR EARLY CHILDHOOD, 3. Identifiers: MedGen C4693934, MONDO:0020632, OMIM 618012.

Allele frequency attached by ClinVar (database versions not stated): gnomAD 0.00001; TOPMed 0.00001.
gnomAD v4.1: 11 of 1,613,756 alleles (0.00068%); highest among the groups gnomAD compares: East Asian, 0.0022%; no homozygotes.

Submissions (3):

Genomic Medicine Center of Excellence, King Faisal Specialist Hospital and Research Centre
Classification: Likely pathogenic for Developmental and epileptic encephalopathy 93. Last evaluated: 2025-09-10. Review status: criteria provided, single submitter. Criteria: ACMG Guidelines, 2015. Collection method: clinical testing. Allele origin: germline.

Labcorp Genetics (formerly Invitae), Labcorp
Classification: Uncertain significance. Last evaluated: 2025-06-27. Review status: criteria provided, single submitter. Criteria: Invitae Variant Classification Sherloc (09022015). Collection method: clinical testing. Allele origin: germline.
Comment: This sequence change replaces aspartic acid, which is acidic and polar, with asparagine, which is neutral and polar, at codon 600 of the ATP6V1A protein (p.Asp600Asn). This variant is present in population databases (rs758392307, gnomAD 0.0009%). This variant has not been reported in the literature in individuals affected with ATP6V1A-related conditions. ClinVar contains an entry for this variant (Variation ID: 1986311). Invitae Evidence Modeling of protein sequence and biophysical properties (such as structural, functional, and spatial information, amino acid conservation, physicochemical variation, residue mobility, and thermodynamic stability) indicates that this missense variant is not expected to disrupt ATP6V1A protein function with a negative predictive value of 80%. In summary, the available evidence is currently insufficient to determine the role of this variant in disease. Therefore, it has been classified as a Variant of Uncertain Significance.

Blueprint Genetics
Classification: Uncertain significance. Last evaluated: 2021-12-09. Review status: criteria provided, single submitter. Criteria: ACMG Guidelines, 2015. Collection method: clinical testing. Allele origin: germline.